The following is an entry in ClinVar:

ClinVar aggregate classification (germline): Likely benign. Review status: criteria provided, multiple submitters, no conflicts (2 of 4 stars). 2 submissions from 2 submitters: Likely benign (2). Last evaluated 2018-06-16.

Allele frequency attached by ClinVar (database versions not stated): 1000 Genomes Project 30x 0.00359; 1000 Genomes Project 0.00399; TOPMed 0.00934; gnomAD 0.01004 and 0.01017; gnomAD exomes 0.01215.
gnomAD v4.1: 19,011 of 1,592,956 alleles (1.2%); highest among the groups gnomAD compares: Middle Eastern, 2.5%; 157 homozygotes.

Submissions (2):

GeneDx
Classification: Likely benign. Last evaluated: 2018-06-16. Review status: criteria provided, single submitter. Criteria: GeneDx Variant Classification (06012015). Collection method: clinical testing. Allele origin: germline. Affected: yes.
Comment: This variant is considered likely benign or benign based on one or more of the following criteria: it is a conservative change, it occurs at a poorly conserved position in the protein, it is predicted to be benign by multiple in silico algorithms, and/or has population frequency not consistent with disease.

Breakthrough Genomics
Classification: Likely benign. Review status: criteria provided, single submitter. Criteria: ACMG Guidelines, 2015. Collection method: not provided. Allele origin: germline. Inheritance: Autosomal dominant inheritance. Affected: yes.

NM_022489.4(INF2):c.1735+73G>A

Gene: INF2 (inverted formin 2; plus strand). Cytogenetic location: 14q32.33.
Variant type: single nucleotide variant.
Coding change: c.1735+73G>A on transcript NM_022489.4 (MANE Select); 73 bases into the intron after coding-DNA position 1735, G replaced by A.
Molecular consequence: intron variant.
Genome position (GRCh38, 1-based): chr14:104,708,075, G>A. VCF-style: chr14-104708075-G-A. GRCh37 (hg19) VCF-style: chr14-105174412-G-A.
Other names: c.1735+73G>A (NM_001031714.4).
Identifiers: ClinVar variation 682018 (VCV000682018.2), dbSNP rs146732870, ClinGen allele CA13985941.
Genomic context (GRCh38, chr14:104,708,075, plus strand): 5'-AGACCCCCAAGGGAAGCTTCCCCTAGGACGGGGGCTGGTCTCTGCTGGGGAGAGGGGCAG[G>A]TGGCACATGGAACTTGTGTGCGCGTCCTGCCCGTGCGTGGCCAGGGCAGCCTGGCCCTTG-3'